The following is an entry in ClinVar:

ClinVar aggregate classification (germline): Likely benign (1 of 4 stars; one submission).

gnomAD v4.1: 50 of 1,613,852 alleles (0.0031%); highest among the groups gnomAD compares: East Asian, 0.067%; no homozygotes.

Submission:

CeGaT Center for Human Genetics Tuebingen
Classification: Likely benign. Last evaluated: 2025-08-01. Review status: criteria provided, single submitter. Criteria: CeGaT Center For Human Genetics Tuebingen Variant Classification Criteria Version 2. Collection method: clinical testing. Allele origin: germline. Affected: yes. Observed: 1 variant allele.
Comment: ANO1: BP4, BP7

NM_018043.7(ANO1):c.2613G>A (p.Pro871=)

Gene: ANO1 (anoctamin 1; plus strand). Cytogenetic location: 11q13.3.
Variant type: single nucleotide variant.
Coding change: c.2613G>A on transcript NM_018043.7 (MANE Select); coding-DNA position 2613, G replaced by A.
Protein change: p.Pro871=; no amino-acid change (proline 871 retained).
Molecular consequence: synonymous variant. On other transcripts: non-coding transcript variant (1).
Genome position (GRCh38, 1-based): chr11:70,185,614, G>A. VCF-style: chr11-70185614-G-A. GRCh37 (hg19) VCF-style: chr11-70031720-G-A.
Other names: c.2802G>A, p.Pro934= (NM_001378092.1); c.2601G>A, p.Pro867= (NM_001378093.1, NM_001378094.2, NM_001378095.2); c.2523G>A, p.Pro841= (NM_001378096.2); c.2436G>A, p.Pro812= (NM_001378097.2).
Identifiers: ClinVar variation 4084212 (VCV004084212.8).